The following is an entry in ClinVar:

NM_018060.4(IARS2):c.1163C>T (p.Thr388Met)

Gene: IARS2 (isoleucyl-tRNA synthetase 2, mitochondrial; plus strand). Cytogenetic location: 1q41.
Variant type: single nucleotide variant.
Coding change: c.1163C>T on transcript NM_018060.4 (MANE Select); coding-DNA position 1163, C replaced by T.
Protein change: p.Thr388Met; replaces threonine 388 with methionine.
Molecular consequence: missense variant.
Genome position (GRCh38, 1-based): chr1:220,105,987, C>T. VCF-style: chr1-220105987-C-T. GRCh37 (hg19) VCF-style: chr1-220279329-C-T.
Other names: c.1163C>T (NM_018060.3); short protein forms T388M.
Identifiers: ClinVar variation 1489126 (VCV001489126.10), dbSNP rs373578830, ClinGen allele CA1401331.

ClinVar aggregate classification (germline): Uncertain significance. Review status: criteria provided, multiple submitters, no conflicts (2 of 4 stars). 3 submissions from 3 submitters: Uncertain significance (3). Last evaluated 2025-03-17.

Conditions:
Inborn genetic diseases. Identifiers: MedGen C0950123, MeSH D030342.
Cataract-growth hormone deficiency-sensory neuropathy-sensorineural hearing loss-skeletal dysplasia syndrome. Also called: Cataracts, growth hormone deficiency, sensory neuropathy, sensorineural hearing loss, and skeletal dysplasia. Identifiers: Orphanet 436174, MedGen C4014942, MONDO:0014455, OMIM 616007.

Allele frequency attached by ClinVar (database versions not stated): gnomAD exomes below 0.00001; TOPMed below 0.00001; ExAC 0.00001; gnomAD 0.00001; ESP Exome Variant Server 0.00008.
gnomAD v4.1: 5 of 1,613,912 alleles (0.00031%); highest among the groups gnomAD compares: East Asian, 0.0022%; no homozygotes.

Submissions (3):

Labcorp Genetics (formerly Invitae), Labcorp
Classification: Uncertain significance. Last evaluated: 2025-03-17. Review status: criteria provided, single submitter. Criteria: Invitae Variant Classification Sherloc (09022015). Collection method: clinical testing. Allele origin: germline.
Comment: This sequence change replaces threonine, which is neutral and polar, with methionine, which is neutral and non-polar, at codon 388 of the IARS2 protein (p.Thr388Met). This variant is present in population databases (rs373578830, gnomAD 0.0009%). This variant has not been reported in the literature in individuals affected with IARS2-related conditions. ClinVar contains an entry for this variant (Variation ID: 1489126). An algorithm developed to predict the effect of missense changes on protein structure and function (PolyPhen-2) suggests that this variant is likely to be disruptive. In summary, the available evidence is currently insufficient to determine the role of this variant in disease. Therefore, it has been classified as a Variant of Uncertain Significance.

3billion
Classification: Uncertain significance for Cataract-growth hormone deficiency-sensory neuropathy-sensorineural hearing loss-skeletal dysplasia syndrome. Last evaluated: 2024-09-02. Review status: criteria provided, single submitter. Criteria: ACMG Guidelines, 2015. Collection method: clinical testing. Allele origin: germline. Affected: yes.
Comment: The variant is observed at an extremely low frequency in the gnomAD v4.0.0 dataset (total allele frequency: <0.001%). Predicted Consequence/Location: Missense variant In silico tool predictions suggest damaging effect of the variant on gene or gene product [REVEL: 0.94 (>=0.6, sensitivity 0.68 and specificity 0.92)]. The variant has been reported as of uncertain significance (ClinVar ID: VCV001489126). Therefore, this variant is classified as VUS according to the recommendation of ACMG/AMP guideline.

Ambry Genetics
Classification: Uncertain significance for Inborn genetic diseases. Last evaluated: 2024-03-28. Review status: criteria provided, single submitter. Criteria: Ambry Variant Classification Scheme 2023. Collection method: clinical testing. Allele origin: germline.